The following is an entry in ClinVar:

NM_003482.4(KMT2D):c.13187C>T (p.Pro4396Leu)

Gene: KMT2D (lysine methyltransferase 2D; minus strand). Cytogenetic location: 12q13.12.
Variant type: single nucleotide variant.
Coding change: c.13187C>T on transcript NM_003482.4 (MANE Select); coding-DNA position 13187, C replaced by T.
Protein change: p.Pro4396Leu; replaces proline 4396 with leucine.
Molecular consequence: missense variant.
Genome position (GRCh38, 1-based): chr12:49,031,518, G>A on the plus strand (C>T on the coding strand, the complement: KMT2D is on the minus strand). VCF-style: chr12-49031518-G-A. GRCh37 (hg19) VCF-style: chr12-49425301-G-A.
Other names: short protein forms P4396L.
Identifiers: ClinVar variation 4979040 (VCV004979040.1).

ClinVar aggregate classification (germline): Uncertain significance (1 of 4 stars; one submission).

Conditions:
KMT2D-related disorder. Also called: KMT2D-Related Disorders.

Submission:

PreventionGenetics, part of Exact Sciences
Classification: Uncertain significance for KMT2D-related condition. Last evaluated: 2025-04-09. Review status: criteria provided, single submitter. Criteria: ACMG Guidelines, 2015. Collection method: clinical testing. Allele origin: germline.
Comment: The KMT2D c.13187C>T variant is predicted to result in the amino acid substitution p.Pro4396Leu. To our knowledge, this variant has not been reported in the literature or in a large population database (gnomAD), indicating this variant is rare. At this time, the clinical significance of this variant is uncertain due to the absence of conclusive functional and genetic evidence.